The following is an entry in ClinVar:

NM_006914.4(RORB):c.1111+4G>T

Gene: RORB (RAR related orphan receptor B; plus strand). Cytogenetic location: 9q21.13.
Variant type: single nucleotide variant.
Coding change: c.1111+4G>T on transcript NM_006914.4 (MANE Select); 4 bases into the intron after coding-DNA position 1111, G replaced by T.
Molecular consequence: intron variant.
Genome position (GRCh38, 1-based): chr9:74,667,905, G>T. VCF-style: chr9-74667905-G-T. GRCh37 (hg19) VCF-style: chr9-77282821-G-T.
Other names: c.1144+4G>T (NM_001365023.1).
Identifiers: ClinVar variation 1437077 (VCV001437077.6), dbSNP rs747338345, ClinGen allele CA1125493515.

ClinVar aggregate classification (germline): Uncertain significance (1 of 4 stars; one submission).

Allele frequency attached by ClinVar (database versions not stated): gnomAD 0.00001.
gnomAD v4.1: 2 of 1,564,792 alleles (0.00013%); highest among the groups gnomAD compares: Non-Finnish European, 0.000088%; no homozygotes.

Submission:

Labcorp Genetics (formerly Invitae), Labcorp
Classification: Uncertain significance. Last evaluated: 2023-11-08. Review status: criteria provided, single submitter. Criteria: Invitae Variant Classification Sherloc (09022015). Collection method: clinical testing. Allele origin: germline.
Comment: This sequence change falls in intron 8 of the RORB gene. It does not directly change the encoded amino acid sequence of the RORB protein. It affects a nucleotide within the consensus splice site. This variant is not present in population databases (gnomAD no frequency). This variant has not been reported in the literature in individuals affected with RORB-related conditions. ClinVar contains an entry for this variant (Variation ID: 1437077). Variants that disrupt the consensus splice site are a relatively common cause of aberrant splicing (PMID: 17576681, 9536098). Algorithms developed to predict the effect of sequence changes on RNA splicing suggest that this variant is not likely to affect RNA splicing. In summary, the available evidence is currently insufficient to determine the role of this variant in disease. Therefore, it has been classified as a Variant of Uncertain Significance.

Literature cited by the submitters: PubMed 17576681; PubMed 9536098.